The following is an entry in ClinVar:

ClinVar aggregate classification (germline): Likely benign (1 of 4 stars; one submission).

Conditions:
Colorectal cancer, susceptibility to, 1. Also called: COLORECTAL ADENOMA AND CANCER, SUSCEPTIBILITY TO; COLORECTAL CANCER, SUSCEPTIBILITY TO, ON CHROMOSOME 9. Identifiers: MedGen C1837315, MONDO:0012132, OMIM 608812.

Submission:

Myriad Genetics, Inc.
Classification: Likely benign for Colorectal cancer, susceptibility to, 1. Last evaluated: 2026-09-11. Review status: criteria provided, single submitter. Criteria: Myriad Autosomal Dominant, Autosomal Recessive and X-Linked Classification Criteria (2023). Collection method: clinical testing. Allele origin: unknown.
Comment: This variant is considered likely benign. This variant is intronic and is not expected to impact mRNA splicing.

NM_024642.5(GALNT12):c.1213-18G>C

Gene: GALNT12 (polypeptide N-acetylgalactosaminyltransferase 12; plus strand). Cytogenetic location: 9q22.33.
Variant type: single nucleotide variant.
Coding change: c.1213-18G>C on transcript NM_024642.5 (MANE Select); 18 bases into the intron before coding-DNA position 1213, G replaced by C.
Molecular consequence: intron variant.
Genome position (GRCh38, 1-based): chr9:98,839,984, G>C. VCF-style: chr9-98839984-G-C. GRCh37 (hg19) VCF-style: chr9-101602266-G-C.
Identifiers: ClinVar variation 5042425 (VCV005042425.1).
Genomic context (GRCh38, chr9:98,839,984, plus strand): 5'-GTGAGCATCAGTGAACACAGGGGCTTTGAAAGGAAGCACTAGGACCCATGGGGTCTCACT[G>C]TTTTGTTGTTTTCTCAGGAACCTTTTGGGGATGTGACAGAGAGGAAGCAGCTCCGGGACA-3'